The following is an entry in ClinVar:

ClinVar aggregate classification (germline): Likely benign (0 of 4 stars; one submission).

Conditions:
MARCHF10-related disorder. Also called: MARCHF10-related condition.

Allele frequency attached by ClinVar (database versions not stated): 1000 Genomes Project 0.00120; 1000 Genomes Project 30x 0.00141; gnomAD 0.00275; TOPMed 0.00299; ESP Exome Variant Server 0.00369.
gnomAD v4.1: 7,527 of 1,610,320 alleles (0.47%); highest among the groups gnomAD compares: Non-Finnish European, 0.6%; 26 homozygotes.

Submission:

PreventionGenetics, part of Exact Sciences
Classification: Likely benign for MARCHF10-related condition. Last evaluated: 2019-03-08. Review status: no assertion criteria provided. Collection method: clinical testing. Allele origin: germline.
Comment: This variant is classified as likely benign based on ACMG/AMP sequence variant interpretation guidelines (Richards et al. 2015 PMID: 25741868, with internal and published modifications).

NM_152598.4(MARCHF10):c.2031C>T (p.Cys677=)

Genes: MARCHF10 (membrane associated ring-CH-type finger 10; minus strand), MARCHF10-AS1 (MARCHF10 antisense RNA 1; plus strand). Cytogenetic location: 17q23.2.
Variant type: single nucleotide variant.
Coding change: c.2031C>T on transcript NM_152598.4 (MANE Select); coding-DNA position 2031, C replaced by T.
Protein change: p.Cys677=; no amino-acid change (cysteine 677 retained).
Molecular consequence: synonymous variant.
Genome position (GRCh38, 1-based): chr17:62,725,011, G>A on the plus strand (C>T on the coding strand, the complement: MARCHF10 is on the minus strand). VCF-style: chr17-62725011-G-A. GRCh37 (hg19) VCF-style: chr17-60802372-G-A.
Other names: c.2031C>T, p.Cys677= (NM_001100875.3); c.2145C>T, p.Cys715= (NM_001288779.2); c.2028C>T, p.Cys676= (NM_001288780.2).
Identifiers: ClinVar variation 3038174 (VCV003038174.2), dbSNP rs111291268, ClinGen allele CA8696686.
Genomic context (GRCh38, chr17:62,725,011, plus strand): 5'-CACTTTCAGCCACTTTTTCAGGCACTCTTGATGAACAAACTGCAGGCTTCCCACACAGCC[G>A]CAAGGCTCCAGGAGGGGGTTGCTTGGGGAACCCCCGGCTATCTGACAGATGCGACACAAG-3'
Protein context (NP_689811.2, residues 667-687): GSPSNPLLEP[Cys677=]GCVGSLQFVH